The following is an entry in ClinVar:

ClinVar aggregate classification (germline): Uncertain significance (1 of 4 stars; one submission).

gnomAD v4.1: 2 of 1,319,132 alleles (0.00015%); highest among the groups gnomAD compares: Middle Eastern, 0.057%; no homozygotes.

Submission:

Labcorp Genetics (formerly Invitae), Labcorp
Classification: Uncertain significance. Last evaluated: 2022-03-02. Review status: criteria provided, single submitter. Criteria: Invitae Variant Classification Sherloc (09022015). Collection method: clinical testing. Allele origin: germline.
Comment: In summary, the available evidence is currently insufficient to determine the role of this variant in disease. Therefore, it has been classified as a Variant of Uncertain Significance. Experimental studies and prediction algorithms are not available or were not evaluated, and the functional significance of this variant is currently unknown. This variant has not been reported in the literature in individuals affected with COL18A1-related conditions. This variant is not present in population databases (gnomAD no frequency). This sequence change replaces arginine with proline at codon 13 of the COL18A1 protein (p.Arg13Pro). There is a moderate physicochemical difference between arginine and proline.

NM_001379500.1(COL18A1):c.38G>C (p.Arg13Pro)

Genes: BNAT1 (breast cancer associated ESR1 regulating natural antisense transcript 1; minus strand), COL18A1 (collagen type XVIII alpha 1 chain; plus strand). Cytogenetic location: 21q22.3.
Variant type: single nucleotide variant.
Coding change: c.38G>C on transcript NM_001379500.1 (MANE Select); coding-DNA position 38, G replaced by C.
Protein change: p.Arg13Pro; replaces arginine 13 with proline.
Molecular consequence: missense variant.
Genome position (GRCh38, 1-based): chr21:45,405,405, G>C. VCF-style: chr21-45405405-G-C. GRCh37 (hg19) VCF-style: chr21-46825320-G-C.
Other names: short protein forms R13P.
Identifiers: ClinVar variation 1382298 (VCV001382298.6), dbSNP rs2123483620, ClinGen allele CA410620308.